The following is an entry in ClinVar:

ClinVar aggregate classification (germline): Pathogenic (1 of 4 stars; one submission).

Conditions:
Fructose-biphosphatase deficiency (FBP1D). Also called: Fructose-1,6-Bisphosphatase 1 Deficiency; Fructose 1,6 Bisphosphatase Deficiency; Fructose-1,6-Diphosphatase Deficiency. Identifiers: Orphanet 348, MedGen C0016756, MONDO:0009251, OMIM 229700.

Submission:

Labcorp Genetics (formerly Invitae), Labcorp
Classification: Pathogenic for Fructose-biphosphatase deficiency. Last evaluated: 2023-07-14. Review status: criteria provided, single submitter. Criteria: Invitae Variant Classification Sherloc (09022015). Collection method: clinical testing. Allele origin: germline.
Comment: This variant has not been reported in the literature in individuals affected with FBP1-related conditions. This variant is not present in population databases (gnomAD no frequency). This sequence change creates a premature translational stop signal (p.Gly260Glufs*17) in the FBP1 gene. While this is not anticipated to result in nonsense mediated decay, it is expected to disrupt the last 79 amino acid(s) of the FBP1 protein. For these reasons, this variant has been classified as Pathogenic. This variant disrupts a region of the FBP1 protein in which other variant(s) (p.Ser321Valfs*13) have been determined to be pathogenic (PMID: 28420223, 28776561). This suggests that this is a clinically significant region of the protein, and that variants that disrupt it are likely to be disease-causing. ClinVar contains an entry for this variant (Variation ID: 526506).

Literature cited by the submitters: PubMed 28420223; PubMed 28776561.

NM_000507.4(FBP1):c.779del (p.Gly260fs)

Gene: FBP1 (fructose-bisphosphatase 1; minus strand). Cytogenetic location: 9q22.32.
Variant type: Deletion.
Coding change: c.779del on transcript NM_000507.4 (MANE Select); coding-DNA position 779, one base deleted (G; older notation c.779delG).
Protein change: p.Gly260fs; shifts the reading frame from glycine 260.
Molecular consequence: frameshift variant.
Genome position (GRCh38, 1-based): chr9:94,605,503, C deleted on the plus strand (G on the coding strand, the reverse complement: FBP1 is on the minus strand); the first of 2 consecutive C bases (chr9:94,605,503-94,605,504); deleting either gives the same sequence. VCF-style (leftmost placement, unchanged base first): chr9-94605502-TC-T. GRCh37 (hg19) VCF-style: chr9-97367784-TC-T.
Other names: c.779del (NM_000507.3); c.779del, p.Gly260fs (NM_001127628.2); short protein forms G260fs.
Identifiers: ClinVar variation 526506 (VCV000526506.10), dbSNP rs1554679825, ClinGen allele CA658797224.